The following is an entry in ClinVar:

ClinVar aggregate classification (germline): Uncertain significance. Review status: criteria provided, multiple submitters, no conflicts (2 of 4 stars). 2 submissions from 2 submitters: Uncertain significance (2). Last evaluated 2025-08-19.

Conditions:
Hereditary cancer-predisposing syndrome. Also called: Hereditary neoplastic syndrome; Hereditary Cancer Syndrome; Neoplastic Syndromes, Hereditary; Tumor predisposition. Identifiers: Orphanet 140162, MedGen C0027672, MeSH D009386, MONDO:0015356.

Submissions (2):

Ambry Genetics
Classification: Uncertain significance for Hereditary cancer-predisposing syndrome. Last evaluated: 2025-08-19. Review status: criteria provided, single submitter. Criteria: Ambry Variant Classification Scheme 2023. Collection method: clinical testing. Allele origin: germline.
Comment: The c.278_280delTCCinsACG variant (also known as p.L93_R94delinsHG), located in coding exon 3 of the APC gene, results from an in-frame deletion of TCC and insertion of ACG at nucleotide positions 278 to 280. This results in the substitution of L and R residues for H and G residues at codons 93 and 94. This amino acid region is well conserved in available vertebrate species. In addition, this variant is predicted to be neutral by in silico analysis (Choi Y et al. PLoS ONE. 2012; 7(10):e46688). Based on the available evidence, the clinical significance of this variant remains unclear.

Color Diagnostics, LLC DBA Color Health
Classification: Uncertain significance for Hereditary cancer-predisposing syndrome. Last evaluated: 2023-12-05. Review status: criteria provided, single submitter. Criteria: ACMG Guidelines, 2015. Collection method: clinical testing. Allele origin: germline.
Comment: This missense variant causes a deletion and an insertion of three nucleotides, resulting in the replacement of leucine-arginine with histidine-glycine at codons 93-94 in the APC protein. To our knowledge, functional studies have not been reported for this variant. This variant has not been reported in individuals affected with APC-related disorders in the literature. This variant has not been identified in the general population by the Genome Aggregation Database (gnomAD). The available evidence is insufficient to determine the role of this variant in disease conclusively. Therefore, this variant is classified as a Variant of Uncertain Significance.

NM_000038.6(APC):c.278_280delinsACG (p.Leu93_Arg94delinsHisGly)

Gene: APC (APC regulator of Wnt signaling pathway; plus strand). Cytogenetic location: 5q22.2.
Variant type: Indel.
Coding change: c.278_280delinsACG on transcript NM_000038.6 (MANE Select); coding-DNA positions 278 to 280, TCC replaced by ACG.
Protein change: p.Leu93_Arg94delinsHisGly.
Molecular consequence: missense variant. On other transcripts: 5 prime UTR variant (4), non-coding transcript variant (2).
Genome position (GRCh38, 1-based): chr5:112,767,246-112,767,248, TCC replaced by ACG. VCF-style: chr5-112767246-TCC-ACG. GRCh37 (hg19) VCF-style: chr5-112102943-TCC-ACG.
Other names: c.278_280delinsACG, p.Leu93_Arg94delinsHisGly (NM_001354899.2, NM_001407447.1, NM_001407448.1 and 16 more transcripts); c.101_103delinsACG, p.Leu34_Arg35delinsHisGly (NM_001354900.2, NM_001354901.2, NM_001354905.2 and 1 more transcripts); c.308_310delinsACG, p.Leu103_Arg104delinsHisGly (NM_001354902.2, NM_001407446.1, NM_001127511.3 and 1 more transcripts); c.-758_-756delinsACG (NM_001354906.2, NM_001407470.1, NM_001407471.1 and 1 more transcripts); c.203_205delinsACG, p.Leu68_Arg69delinsHisGly (NM_001354904.2, NM_001354898.2, NM_001407451.1); c.278_280delTCCinsACG (NM_000038.5).
Identifiers: ClinVar variation 2773544 (VCV002773544.3), dbSNP rs2532293205, ClinGen allele CA2695204994.
Genomic context (GRCh38, chr5:112,767,246, plus strand): 5'-TAGAGCTTAACTTAGATAGCAGTAATTTCCCTGGAGTAAAACTGCGGTCAAAAATGTCCC[TCC>ACG]GTTCTTATGGAAGCCGGGAAGGATCTGTATCAAGCCGTTCTGGAGAGTGCAGTCCTGTTC-3'